The following is an entry in ClinVar:

NM_007208.4(MRPL3):c.851A>G (p.Tyr284Cys)

Gene: MRPL3 (mitochondrial ribosomal protein L3; minus strand). Cytogenetic location: 3q22.1.
Variant type: single nucleotide variant.
Coding change: c.851A>G on transcript NM_007208.4 (MANE Select); coding-DNA position 851, A replaced by G.
Protein change: p.Tyr284Cys; replaces tyrosine 284 with cysteine.
Molecular consequence: missense variant.
Genome position (GRCh38, 1-based): chr3:131,468,134, T>C on the plus strand (A>G on the coding strand, the complement: MRPL3 is on the minus strand). VCF-style: chr3-131468134-T-C. GRCh37 (hg19) VCF-style: chr3-131186978-T-C.
Other names: short protein forms Y284C.
Identifiers: ClinVar variation 3362012 (VCV003362012.1).
Genomic context (GRCh38, chr3:131,468,134, plus strand): 5'-AAGACACTTATACTTACCTTTACTAAGCAATTTTTATGTCCAGGTACAGAGCCATTTACA[T>C]AGATTATGTTGTGCTTTGTGTTTATTCTCCACACCTAAAGCATGAAATAAAACCAAAAAT-3'
Protein context (NP_009139.1, residues 274-294): WRINTKHNII[Tyr284Cys]VNGSVPGHKN

ClinVar aggregate classification (germline): Uncertain significance (1 of 4 stars; one submission).

gnomAD v4.1: 7 of 1,597,476 alleles (0.00044%); highest among the groups gnomAD compares: Admixed American, 0.0018%; no homozygotes.

Submission:

GeneDx
Classification: Uncertain significance. Last evaluated: 2023-05-25. Review status: criteria provided, single submitter. Criteria: GeneDx Variant Classification Process June 2021. Collection method: clinical testing. Allele origin: germline. Affected: yes.
Comment: Not observed at significant frequency in large population cohorts (gnomAD); In silico analysis supports that this missense variant has a deleterious effect on protein structure/function; Has not been previously published as pathogenic or benign to our knowledge